The following is an entry in ClinVar:

NM_001035.3(RYR2):c.14690A>G (p.Tyr4897Cys)

Gene: RYR2 (ryanodine receptor 2; plus strand). Cytogenetic location: 1q43.
Variant type: single nucleotide variant.
Coding change: c.14690A>G on transcript NM_001035.3 (MANE Select); coding-DNA position 14690, A replaced by G.
Protein change: p.Tyr4897Cys; replaces tyrosine 4897 with cysteine.
Molecular consequence: missense variant.
Genome position (GRCh38, 1-based): chr1:237,830,564, A>G. VCF-style: chr1-237830564-A-G. GRCh37 (hg19) VCF-style: chr1-237993864-A-G.
Other names: short protein forms Y4897C.
Identifiers: ClinVar variation 4758571 (VCV004758571.1).

ClinVar aggregate classification (germline): Uncertain significance (1 of 4 stars; one submission).

Conditions:
Cardiomyopathy (CMYO). Also called: Cardiomyopathies. Identifiers: Orphanet 167848, MedGen C0878544, MONDO:0004994, HP:0001638. Inheritance: Various modes of inheritance.

Submission:

Color Diagnostics, LLC DBA Color Health
Classification: Uncertain significance for Cardiomyopathy. Last evaluated: 2025-06-03. Review status: criteria provided, single submitter. Criteria: ACMG Guidelines, 2015. Collection method: clinical testing. Allele origin: germline.
Comment: This missense variant replaces tyrosine with cysteine at codon 4897 of the RYR2 protein. Computational prediction suggests that this variant may have deleterious impact on protein structure and function. To our knowledge, functional studies have not been reported for this variant. This variant has not been reported in individuals affected with RYR2-related disorders in the literature. This variant has not been identified in the general population by the Genome Aggregation Database (gnomAD). The available evidence is insufficient to determine the role of this variant in disease conclusively. Therefore, this variant is classified as a Variant of Uncertain Significance.